The following is an entry in ClinVar:

NM_002907.4(RECQL):c.1348A>C (p.Ile450Leu)

Gene: RECQL (RecQ like helicase; minus strand). Cytogenetic location: 12p12.1.
Variant type: single nucleotide variant.
Coding change: c.1348A>C on transcript NM_002907.4 (MANE Select); coding-DNA position 1348, A replaced by C.
Protein change: p.Ile450Leu; replaces isoleucine 450 with leucine.
Molecular consequence: missense variant.
Genome position (GRCh38, 1-based): chr12:21,474,848, T>G on the plus strand (A>C on the coding strand, the complement: RECQL is on the minus strand). VCF-style: chr12-21474848-T-G. GRCh37 (hg19) VCF-style: chr12-21627782-T-G.
Other names: c.1348A>C, p.Ile450Leu (NM_032941.3); short protein forms I450L.
Identifiers: ClinVar variation 3722994 (VCV003722994.2).

ClinVar aggregate classification (germline): Uncertain significance (1 of 4 stars; one submission).

Submission:

Labcorp Genetics (formerly Invitae), Labcorp
Classification: Uncertain significance. Last evaluated: 2024-10-16. Review status: criteria provided, single submitter. Criteria: Invitae Variant Classification Sherloc (09022015). Collection method: clinical testing. Allele origin: germline.
Comment: This sequence change replaces isoleucine, which is neutral and non-polar, with leucine, which is neutral and non-polar, at codon 450 of the RECQL protein (p.Ile450Leu). This variant is not present in population databases (gnomAD no frequency). This variant has not been reported in the literature in individuals affected with RECQL-related conditions. An algorithm developed to predict the effect of missense changes on protein structure and function (PolyPhen-2) suggests that this variant is likely to be tolerated. In summary, the available evidence is currently insufficient to determine the role of this variant in disease. Therefore, it has been classified as a Variant of Uncertain Significance.